The following is an entry in ClinVar:

NM_007294.4(BRCA1):c.5403C>G (p.Gly1801=)

Gene: BRCA1 (BRCA1 DNA repair associated; minus strand). Cytogenetic location: 17q21.31.
Variant type: single nucleotide variant.
Coding change: c.5403C>G on transcript NM_007294.4 (MANE Select); coding-DNA position 5403, C replaced by G.
Protein change: p.Gly1801=; no amino-acid change (glycine 1801 retained).
Molecular consequence: synonymous variant. On other transcripts: intron variant (19).
Genome position (GRCh38, 1-based): chr17:43,049,124, G>C on the plus strand (C>G on the coding strand, the complement: BRCA1 is on the minus strand). VCF-style: chr17-43049124-G-C. GRCh37 (hg19) VCF-style: chr17-41201141-G-C.
Other names: c.5190C>G, p.Gly1730= (NM_001407571.1, NM_001407894.1, NM_001407895.1 and 12 more transcripts); c.5469C>G, p.Gly1823= (NM_001407581.1, NM_001407582.1); c.5466C>G, p.Gly1822= (NM_001407583.1, NM_001407585.1, NM_001407587.1 and 1 more transcripts); c.5463C>G, p.Gly1821= (NM_001407590.1, NM_001407591.1); c.5403C>G, p.Gly1801= (NM_001407593.1, NM_001407594.1, NM_001407596.1 and 5 more transcripts); c.5400C>G, p.Gly1800= (NM_001407610.1, NM_001407611.1, NM_001407612.1 and 14 more transcripts); c.5397C>G, p.Gly1799= (NM_001407627.1, NM_001407628.1, NM_001407629.1 and 13 more transcripts); c.5394C>G, p.Gly1798= (NM_001407644.1, NM_001407645.1); and 84 more.
Identifiers: ClinVar variation 865706 (VCV000865706.3), dbSNP rs2051072930, ClinGen allele CA500143274.

Conditions:
Breast-ovarian cancer, familial, susceptibility to, 1 (BROVCA1). Also called: BRCA1 Hereditary Breast and Ovarian Cancer; OVARIAN CANCER, SUSCEPTIBILITY TO. Identifiers: Orphanet 145, MedGen C2676676, MONDO:0011450, OMIM 604370. Disease mechanism: loss of function.

Submission:

Brotman Baty Institute, University of Washington
No classification provided (evidence only). Condition: Breast-ovarian cancer, familial 1. Review status: no classification provided. Collection method: in vitro. Allele origin: not applicable. Functional consequence: functionally_normal.
ClinVar note: "not provided" was previously submitted as the classification for the variant. However, the classification appeared to be based only on an observation of functional data so it was converted to no classification on 2025-07-30.